The following is an entry in ClinVar:

ClinVar aggregate classification (germline): Uncertain significance (1 of 4 stars; one submission).

Conditions:
Neurofibromatosis, type 1 (NF1). Also called: Peripheral type neurofibromatosis; Neurofibromatosis, type I; VON RECKLINGHAUSEN DISEASE; NEUROFIBROMATOSIS, TYPE I, SOMATIC. Identifiers: Orphanet 636, MedGen C0027831, MONDO:0018975, OMIM 162200. Disease mechanism: loss of function.

Allele frequency attached by ClinVar (database versions not stated): gnomAD exomes below 0.00001.
gnomAD v4.1: 1 of 1,611,890 alleles (0.000062%); highest among the groups gnomAD compares: South Asian, 0.0011%; no homozygotes.

Submission:

Labcorp Genetics (formerly Invitae), Labcorp
Classification: Uncertain significance for Neurofibromatosis, type 1. Last evaluated: 2025-02-11. Review status: criteria provided, single submitter. Criteria: Invitae Variant Classification Sherloc (09022015). Collection method: clinical testing. Allele origin: germline.
Comment: This sequence change replaces serine, which is neutral and polar, with glycine, which is neutral and non-polar, at codon 979 of the NF1 protein (p.Ser979Gly). This variant is not present in population databases (gnomAD no frequency). This variant has not been reported in the literature in individuals affected with NF1-related conditions. ClinVar contains an entry for this variant (Variation ID: 838517). Invitae Evidence Modeling of protein sequence and biophysical properties (such as structural, functional, and spatial information, amino acid conservation, physicochemical variation, residue mobility, and thermodynamic stability) has been performed for this missense variant. However, the output from this modeling did not meet the statistical confidence thresholds required to predict the impact of this variant on NF1 protein function. In summary, the available evidence is currently insufficient to determine the role of this variant in disease. Therefore, it has been classified as a Variant of Uncertain Significance.

NM_001042492.3(NF1):c.2935A>G (p.Ser979Gly)

Gene: NF1 (neurofibromin 1; plus strand). Cytogenetic location: 17q11.2.
Variant type: single nucleotide variant.
Coding change: c.2935A>G on transcript NM_001042492.3 (MANE Select); coding-DNA position 2935, A replaced by G.
Protein change: p.Ser979Gly; replaces serine 979 with glycine.
Molecular consequence: missense variant.
Genome position (GRCh38, 1-based): chr17:31,229,919, A>G. VCF-style: chr17-31229919-A-G. GRCh37 (hg19) VCF-style: chr17-29556937-A-G.
Other names: c.2935A>G, p.Ser979Gly (NM_000267.4); short protein forms S979G.
Identifiers: ClinVar variation 838517 (VCV000838517.6), dbSNP rs2067084249, ClinGen allele CA398986253.